The following is an entry in ClinVar:

ClinVar aggregate classification (germline): Likely benign. Review status: criteria provided, multiple submitters, no conflicts (2 of 4 stars). 3 submissions from 3 submitters: Likely benign (3). Last evaluated 2025-06-09.

Allele frequency attached by ClinVar (database versions not stated): ExAC 0.00126; gnomAD 0.00354 and 0.00381; TOPMed 0.00403; 1000 Genomes Project 0.00439; gnomAD exomes 0.00035 and 0.00095; 1000 Genomes Project 30x 0.00422; ESP Exome Variant Server 0.00384.
gnomAD v4.1: 1,066 of 1,590,282 alleles (0.067%); highest among the groups gnomAD compares: African/African-American, 1.3%; 7 homozygotes.

Submissions (3):

Mayo Clinic Laboratories, Mayo Clinic
Classification: Likely benign. Last evaluated: 2025-06-09. Review status: criteria provided, single submitter. Criteria: ACMG Guidelines, 2015. Collection method: clinical testing. Allele origin: germline. Observed: 2 variant alleles.
Comment: BA1, BS2

GeneDx
Classification: Likely benign. Last evaluated: 2018-07-10. Review status: criteria provided, single submitter. Criteria: GeneDx Variant Classification Process June 2021. Collection method: clinical testing. Allele origin: germline. Affected: yes.

Breakthrough Genomics
Classification: Likely benign. Review status: criteria provided, single submitter. Criteria: ACMG Guidelines, 2015. Collection method: not provided. Allele origin: germline. Inheritance: Autosomal recessive inheritance. Affected: yes.

NM_004817.4(TJP2):c.2667+29G>C

Gene: TJP2 (tight junction protein 2; plus strand). Cytogenetic location: 9q21.11.
Variant type: single nucleotide variant.
Coding change: c.2667+29G>C on transcript NM_004817.4 (MANE Select); 29 bases into the intron after coding-DNA position 2667, G replaced by C.
Molecular consequence: intron variant.
Genome position (GRCh38, 1-based): chr9:69,246,819, G>C. VCF-style: chr9-69246819-G-C. GRCh37 (hg19) VCF-style: chr9-71861735-G-C.
Other names: p.?; c.2598+29G>C (NM_001170414.2, NM_001369871.1); c.2592+29G>C (NM_001369870.1); c.2667+29G>C (NM_201629.3, NM_001369872.1, NM_001369873.1); c.2679+29G>C (NM_001170415.1, NM_001369875.1, NM_001369874.1); c.2760+29G>C (NM_001170416.2).
Identifiers: ClinVar variation 1198892 (VCV001198892.4), dbSNP rs112883125, ClinGen allele CA5073733.